The following is an entry in ClinVar:

ClinVar aggregate classification (germline): Pathogenic/Likely pathogenic. Review status: criteria provided, multiple submitters, no conflicts (2 of 4 stars). 4 submissions from 4 submitters: Pathogenic (1); Likely pathogenic (1). 2 of the submissions do not count toward it. Last evaluated 2025-04-10.

Conditions:
Inborn genetic diseases. Identifiers: MedGen C0950123, MeSH D030342.
Focal segmental glomerulosclerosis 2 (FSGS2). Identifiers: Orphanet 656, MedGen C1858915, MONDO:0011390, OMIM 603965.

Submissions (4):

Labcorp Genetics (formerly Invitae), Labcorp
Classification: Pathogenic. Last evaluated: 2025-04-10. Review status: criteria provided, single submitter. Criteria: Invitae Variant Classification Sherloc (09022015). Collection method: clinical testing. Allele origin: germline.
Comment: This sequence change replaces glutamic acid, which is acidic and polar, with lysine, which is basic and polar, at codon 897 of the TRPC6 protein (p.Glu897Lys). This variant is not present in population databases (gnomAD no frequency). This missense change has been observed in individuals with focal segmental glomerulosclerosis (PMID: 15924139, 35064937). ClinVar contains an entry for this variant (Variation ID: 6156). Invitae Evidence Modeling of protein sequence and biophysical properties (such as structural, functional, and spatial information, amino acid conservation, physicochemical variation, residue mobility, and thermodynamic stability) indicates that this missense variant is expected to disrupt TRPC6 protein function with a positive predictive value of 95%. Experimental studies have shown that this missense change affects TRPC6 function (PMID: 15924139, 19129465, 21471003, 23171048, 26892346). This variant disrupts the p.Glu897 amino acid residue in TRPC6. Other variant(s) that disrupt this residue have been observed in individuals with TRPC6-related conditions (PMID: 28780565), which suggests that this may be a clinically significant amino acid residue. For these reasons, this variant has been classified as Pathogenic.

Ambry Genetics
Classification: Likely pathogenic for Inborn genetic diseases. Last evaluated: 2023-08-21. Review status: criteria provided, single submitter. Criteria: Ambry Variant Classification Scheme 2023. Collection method: clinical testing. Allele origin: germline.
Comment: The c.2689G>A (p.E897K) alteration is located in exon 13 (coding exon 13) of the TRPC6 gene. This alteration results from a G to A substitution at nucleotide position 2689, causing the glutamic acid (E) at amino acid position 897 to be replaced by a lysine (K). This variant was not reported in population-based cohorts in the Genome Aggregation Database (gnomAD). This variant has been identified in multiple individuals with clinical features consistent with TRPC6-related focal segmental glomerulosclerosis (Reiser, 2005; Groopman, 2019; Lu, 2022). This amino acid position is highly conserved in available vertebrate species. Based on internal structural analysis, E897K is more disruptive to the CH2 domain of TRPC6 than our internal threshold for deleterious destabilization, though there are no comparable internally pathogenic variants nearby for comparison (Tang, 2018; Guo, 2022). Functional studies show that E897K leads to altered protein function (Reiser, 2005; Riehle, 2016; Polat, 2019; Schl&ouml;ndorff, 2009). This alteration is predicted to be deleterious by in silico analysis. Based on the available evidence, this alteration is classified as likely pathogenic.

Gharavi Laboratory, Columbia University
Classification: Pathogenic. Last evaluated: 2018-09-16. Review status: no assertion criteria provided. Criteria: ACMG Guidelines, 2015. Collection method: research. Allele origin: germline. Affected: yes. Not counted in ClinVar's aggregate classification.

OMIM
Classification: Pathogenic for FOCAL SEGMENTAL GLOMERULOSCLEROSIS 2. Last evaluated: 2005-07-01. Review status: no assertion criteria provided. Collection method: literature only. Allele origin: germline. Not counted in ClinVar's aggregate classification.

Literature cited by the submitters: PubMed 15924139 (cited by 3 submitters); PubMed 35064937 (cited by Labcorp Genetics (formerly Invitae), Labcorp and Ambry Genetics); PubMed 19129465 (cited by Labcorp Genetics (formerly Invitae), Labcorp and Ambry Genetics); PubMed 21471003 (cited by Labcorp Genetics (formerly Invitae), Labcorp); PubMed 23171048 (cited by Labcorp Genetics (formerly Invitae), Labcorp and Ambry Genetics); PubMed 26892346 (cited by Labcorp Genetics (formerly Invitae), Labcorp and Ambry Genetics); PubMed 28780565 (cited by Labcorp Genetics (formerly Invitae), Labcorp); PubMed 29700422 (cited by Ambry Genetics); PubMed 30586318 (cited by Ambry Genetics); PubMed 31266804 (cited by Ambry Genetics); PubMed 31266820 (cited by Ambry Genetics); PubMed 35051376 (cited by Ambry Genetics); PubMed 35749414 (cited by Ambry Genetics); PubMed 35913909 (cited by Ambry Genetics).

NM_004621.6(TRPC6):c.2689G>A (p.Glu897Lys)

Gene: TRPC6 (transient receptor potential cation channel subfamily C member 6; minus strand). Cytogenetic location: 11q22.1.
Variant type: single nucleotide variant.
Coding change: c.2689G>A on transcript NM_004621.6 (MANE Select); coding-DNA position 2689, G replaced by A.
Protein change: p.Glu897Lys; replaces glutamic acid 897 with lysine.
Molecular consequence: missense variant.
Genome position (GRCh38, 1-based): chr11:101,453,062, C>T on the plus strand (G>A on the coding strand, the complement: TRPC6 is on the minus strand). VCF-style: chr11-101453062-C-T. GRCh37 (hg19) VCF-style: chr11-101323793-C-T.
Other names: c.2689G>A (NM_004621.5); short protein forms E897K.
Identifiers: ClinVar variation 6156 (VCV000006156.5), dbSNP rs121434395, ClinGen allele CA117983.